The following is an entry in ClinVar:

ClinVar aggregate classification (germline): Pathogenic (1 of 4 stars; one submission).

Conditions:
Hypohidrotic X-linked ectodermal dysplasia (XHED). Also called: Anhidrotic ectodermal dysplasia X-linked; Christ Siemens Touraine syndrome; ECTODERMAL DYSPLASIA 1; Christ-Siemans-Touraine syndrome; ECTODERMAL DYSPLASIA, HYPOHIDROTIC, 1; CST SYNDROME. Identifiers: Orphanet 181, Orphanet 238468, MedGen C0162359, MONDO:0010585, OMIM 305100.

Submission:

Labcorp Genetics (formerly Invitae), Labcorp
Classification: Pathogenic for Hypohidrotic X-linked ectodermal dysplasia. Last evaluated: 2019-09-13. Review status: criteria provided, single submitter. Criteria: Invitae Variant Classification Sherloc (09022015). Collection method: clinical testing. Allele origin: germline.
Comment: This variant is an out-of-frame deletion of the genomic region encompassing exon 2 of the EDA gene. This is expected to create a premature translational stop signal and result in an absent or disrupted protein product. This variant has been observed in several individuals with ectodermal dysplasia (PMID: 8696334, 27305980, 23293949, Invitae). Loss-of-function variants in EDA are known to be pathogenic (PMID: 9683615). For these reasons, this variant has been classified as Pathogenic.

Literature cited by the submitters: PubMed 8696334; PubMed 27305980; PubMed 23293949.

NC_000023.11:g.(?_69957017)_(69957142_?)del

Gene: EDA (ectodysplasin A; plus strand). Cytogenetic location: Xq13.1.
Variant type: Deletion.
Identifiers: ClinVar variation 832082 (VCV000832082.1).